The following is an entry in ClinVar:

NM_205836.3(FBXO38):c.3378C>T (p.Asp1126=)

Gene: FBXO38 (F-box protein 38; plus strand). Cytogenetic location: 5q32.
Variant type: single nucleotide variant.
Coding change: c.3378C>T on transcript NM_205836.3 (MANE Select); coding-DNA position 3378, C replaced by T.
Protein change: p.Asp1126=; no amino-acid change (aspartic acid 1126 retained).
Molecular consequence: synonymous variant.
Genome position (GRCh38, 1-based): chr5:148,441,227, C>T. VCF-style: chr5-148441227-C-T. GRCh37 (hg19) VCF-style: chr5-147820790-C-T.
Other names: c.2643C>T, p.Asp881= (NM_001271723.2); c.3153C>T, p.Asp1051= (NM_030793.5); c.3153C>T (NM_030793.4).
Identifiers: ClinVar variation 1077230 (VCV001077230.11), dbSNP rs759126729, ClinGen allele CA3497733.

ClinVar aggregate classification (germline): Likely benign. Review status: criteria provided, single submitter (1 of 4 stars). 2 submissions from 2 submitters: Likely benign (1). 1 of the submissions does not count toward it. Last evaluated 2024-09-18.

Conditions:
Distal hereditary motor neuropathy type 2. Identifiers: Orphanet 139525, MedGen C3711384, MeSH C580044, MONDO:0015352.
FBXO38-related disorder. Also called: FBXO38-related condition.

Allele frequency attached by ClinVar (database versions not stated): gnomAD exomes 0.00001; TOPMed 0.00001; ExAC 0.00001; gnomAD 0.00001.
gnomAD v4.1: 15 of 1,612,058 alleles (0.00093%); highest among the groups gnomAD compares: Middle Eastern, 0.016%; no homozygotes.

Submissions (2):

Labcorp Genetics (formerly Invitae), Labcorp
Classification: Likely benign for Distal hereditary motor neuropathy type 2. Last evaluated: 2024-09-18. Review status: criteria provided, single submitter. Criteria: Invitae Variant Classification Sherloc (09022015). Collection method: clinical testing. Allele origin: germline.

PreventionGenetics, part of Exact Sciences
Classification: Likely benign for FBXO38-related condition. Last evaluated: 2024-07-09. Review status: no assertion criteria provided. Collection method: clinical testing. Allele origin: germline. Not counted in ClinVar's aggregate classification.
Comment: This variant is classified as likely benign based on ACMG/AMP sequence variant interpretation guidelines (Richards et al. 2015 PMID: 25741868, with internal and published modifications).